The following is an entry in ClinVar:

ClinVar aggregate classification (germline): Uncertain significance. Review status: criteria provided, multiple submitters, no conflicts (2 of 4 stars). 2 submissions from 2 submitters: Uncertain significance (2). Last evaluated 2025-08-10.

Allele frequency attached by ClinVar (database versions not stated): gnomAD exomes below 0.00001; ExAC 0.00001; TOPMed 0.00002; gnomAD 0.00003.
gnomAD v4.1: 5 of 1,607,930 alleles (0.00031%); highest among the groups gnomAD compares: Admixed American, 0.0084%; no homozygotes.

Submissions (2):

Labcorp Genetics (formerly Invitae), Labcorp
Classification: Uncertain significance. Last evaluated: 2025-08-10. Review status: criteria provided, single submitter. Criteria: Invitae Variant Classification Sherloc (09022015). Collection method: clinical testing. Allele origin: germline.
Comment: This sequence change replaces proline, which is neutral and non-polar, with serine, which is neutral and polar, at codon 2 of the NDUFB10 protein (p.Pro2Ser). This variant is not present in population databases (gnomAD no frequency). This variant has not been reported in the literature in individuals affected with NDUFB10-related conditions. ClinVar contains an entry for this variant (Variation ID: 2181038). An algorithm developed to predict the effect of missense changes on protein structure and function (PolyPhen-2) suggests that this variant is likely to be tolerated. In summary, the available evidence is currently insufficient to determine the role of this variant in disease. Therefore, it has been classified as a Variant of Uncertain Significance.

Ambry Genetics
Classification: Uncertain significance. Last evaluated: 2025-05-17. Review status: criteria provided, single submitter. Criteria: Ambry Variant Classification Scheme 2023. Collection method: clinical testing. Allele origin: germline.

NM_004548.3(NDUFB10):c.4C>T (p.Pro2Ser)

Gene: NDUFB10 (NADH:ubiquinone oxidoreductase subunit B10; plus strand). Cytogenetic location: 16p13.3.
Variant type: single nucleotide variant.
Coding change: c.4C>T on transcript NM_004548.3 (MANE Select); coding-DNA position 4, C replaced by T.
Protein change: p.Pro2Ser; replaces proline 2 with serine.
Molecular consequence: missense variant.
Genome position (GRCh38, 1-based): chr16:1,959,628, C>T. VCF-style: chr16-1959628-C-T. GRCh37 (hg19) VCF-style: chr16-2009629-C-T.
Other names: c.4C>T (NM_004548.2); short protein forms P2S.
Identifiers: ClinVar variation 2181038 (VCV002181038.5), dbSNP rs755685232, ClinGen allele CA7823190.